The following is an entry in ClinVar:

NM_004082.5(DCTN1):c.3529+3A>G

Gene: DCTN1 (dynactin subunit 1; minus strand). Cytogenetic location: 2p13.1.
Variant type: single nucleotide variant.
Coding change: c.3529+3A>G on transcript NM_004082.5 (MANE Select); 3 bases into the intron after coding-DNA position 3529, A replaced by G.
Molecular consequence: intron variant.
Genome position (GRCh38, 1-based): chr2:74,362,991, T>C on the plus strand (A>G on the coding strand, the complement: DCTN1 is on the minus strand). VCF-style: chr2-74362991-T-C. GRCh37 (hg19) VCF-style: chr2-74590118-T-C.
Other names: c.3403+3A>G (NM_001190836.2); c.3460+3A>G (NM_001378992.1); c.3478+3A>G (NM_001378991.1); c.3454+3A>G (NM_001135040.3); c.3508+3A>G (NM_001190837.2); c.3112+3A>G (NM_001135041.3); c.3127+3A>G (NM_023019.4).
Identifiers: ClinVar variation 1423635 (VCV001423635.8), dbSNP rs370727908, ClinGen allele CA1721471.

ClinVar aggregate classification (germline): Conflicting classifications of pathogenicity. Review status: criteria provided, conflicting classifications (1 of 4 stars). 2 submissions from 2 submitters: Uncertain significance (1); Likely benign (1). Last evaluated 2025-09-27.

Conditions:
Inborn genetic diseases. Identifiers: MedGen C0950123, MeSH D030342.
Perry syndrome. Also called: PARKINSONISM WITH ALVEOLAR HYPOVENTILATION AND MENTAL DEPRESSION. Identifiers: Orphanet 178509, MedGen C1868594, MONDO:0008201, OMIM 168605.
Amyotrophic lateral sclerosis type 1 (ALS1). Also called: AMYOTROPHIC LATERAL SCLEROSIS 1, FAMILIAL. Identifiers: Orphanet 803, MedGen C1862939, MONDO:0007103, OMIM 105400.
Neuronopathy, distal hereditary motor, type 7B. Also called: HMN VIIB; LOWER MOTOR NEURON DISEASE, DYNACTIN TYPE; Distal Hereditary Motor Neuronopathy Type 7B (dHMN7B); NEURONOPATHY, DISTAL HEREDITARY MOTOR, AUTOSOMAL DOMINANT 14; NEURONOPATHY, DISTAL HEREDITARY MOTOR, HARDING TYPE VIIB; NEUROPATHY, DISTAL HEREDITARY MOTOR, HARDING TYPE VIIB. Identifiers: Orphanet 139589, MedGen C1843315, MONDO:0011879, OMIM 607641.

Allele frequency attached by ClinVar (database versions not stated): gnomAD exomes 0.00001 and 0.00002; ExAC 0.00003; gnomAD 0.00007; ESP Exome Variant Server 0.00008; TOPMed 0.00008.
gnomAD v4.1: 27 of 1,612,140 alleles (0.0017%); highest among the groups gnomAD compares: African/African-American, 0.021%; no homozygotes.

Submissions (2):

Labcorp Genetics (formerly Invitae), Labcorp
Classification: Uncertain significance for Amyotrophic lateral sclerosis type 1; Neuronopathy, distal hereditary motor, type 7B; Perry syndrome. Last evaluated: 2025-09-27. Review status: criteria provided, single submitter. Criteria: Invitae Variant Classification Sherloc (09022015). Collection method: clinical testing. Allele origin: germline.
Comment: This sequence change falls in intron 29 of the DCTN1 gene. It does not directly change the encoded amino acid sequence of the DCTN1 protein. It affects a nucleotide within the consensus splice site. This variant is present in population databases (rs370727908, gnomAD 0.03%). This variant has not been reported in the literature in individuals affected with DCTN1-related conditions. ClinVar contains an entry for this variant (Variation ID: 1423635). Variants that disrupt the consensus splice site are a relatively common cause of aberrant splicing (PMID: 17576681, 9536098). Algorithms developed to predict the effect of sequence changes on RNA splicing suggest that this variant may disrupt the consensus splice site. In summary, the available evidence is currently insufficient to determine the role of this variant in disease. Therefore, it has been classified as a Variant of Uncertain Significance.

Ambry Genetics
Classification: Likely benign for Inborn genetic diseases. Last evaluated: 2021-11-01. Review status: criteria provided, single submitter. Criteria: Ambry Variant Classification Scheme 2023. Collection method: clinical testing. Allele origin: germline.

Literature cited by the submitters: PubMed 17576681 (cited by Labcorp Genetics (formerly Invitae), Labcorp); PubMed 9536098 (cited by Labcorp Genetics (formerly Invitae), Labcorp).